The following is an entry in ClinVar:

ClinVar aggregate classification (germline): Uncertain significance. Review status: criteria provided, multiple submitters, no conflicts (2 of 4 stars). 2 submissions from 2 submitters: Uncertain significance (2). Last evaluated 2024-11-07.

Conditions:
Inborn genetic diseases. Identifiers: MedGen C0950123, MeSH D030342.

Allele frequency attached by ClinVar (database versions not stated): gnomAD exomes 0.00003 and 0.00005; gnomAD 0.00006; ExAC 0.00007; ESP Exome Variant Server 0.00008; TOPMed 0.00008; 1000 Genomes Project 30x 0.00031; 1000 Genomes Project 0.00040.
gnomAD v4.1: 48 of 1,613,956 alleles (0.003%); highest among the groups gnomAD compares: African/African-American, 0.013%; no homozygotes.

Submissions (2):

Ambry Genetics
Classification: Uncertain significance for Inborn genetic diseases. Last evaluated: 2024-11-07. Review status: criteria provided, single submitter. Criteria: Ambry Variant Classification Scheme 2023. Collection method: clinical testing. Allele origin: germline.

Labcorp Genetics (formerly Invitae), Labcorp
Classification: Uncertain significance. Last evaluated: 2022-07-26. Review status: criteria provided, single submitter. Criteria: Invitae Variant Classification Sherloc (09022015). Collection method: clinical testing. Allele origin: germline.
Comment: This sequence change replaces threonine, which is neutral and polar, with methionine, which is neutral and non-polar, at codon 868 of the MYO18B protein (p.Thr868Met). This variant is present in population databases (rs201763340, gnomAD 0.01%). This variant has not been reported in the literature in individuals affected with MYO18B-related conditions. ClinVar contains an entry for this variant (Variation ID: 1522287). Algorithms developed to predict the effect of missense changes on protein structure and function are either unavailable or do not agree on the potential impact of this missense change (SIFT: "Not Available"; PolyPhen-2: "Possibly Damaging"; Align-GVGD: "Not Available"). In summary, the available evidence is currently insufficient to determine the role of this variant in disease. Therefore, it has been classified as a Variant of Uncertain Significance.

NM_032608.7(MYO18B):c.2603C>T (p.Thr868Met)

Gene: MYO18B (myosin XVIIIB; plus strand). Cytogenetic location: 22q12.1.
Variant type: single nucleotide variant.
Coding change: c.2603C>T on transcript NM_032608.7 (MANE Select); coding-DNA position 2603, C replaced by T.
Protein change: p.Thr868Met; replaces threonine 868 with methionine.
Molecular consequence: missense variant.
Genome position (GRCh38, 1-based): chr22:25,823,586, C>T. VCF-style: chr22-25823586-C-T. GRCh37 (hg19) VCF-style: chr22-26219553-C-T.
Other names: c.2603C>T, p.Thr868Met (NM_001318245.2); c.2603C>T (NM_032608.5); short protein forms T868M.
Identifiers: ClinVar variation 1522287 (VCV001522287.5), dbSNP rs201763340, ClinGen allele CA10160235.